The following is an entry in ClinVar:

NM_015311.3(OBSL1):c.1282+6C>G

Gene: OBSL1 (obscurin like cytoskeletal adaptor 1; minus strand). Cytogenetic location: 2q35.
Variant type: single nucleotide variant.
Coding change: c.1282+6C>G on transcript NM_015311.3 (MANE Select); 6 bases into the intron after coding-DNA position 1282, C replaced by G.
Molecular consequence: intron variant.
Genome position (GRCh38, 1-based): chr2:219,568,049, G>C on the plus strand (C>G on the coding strand, the complement: OBSL1 is on the minus strand). VCF-style: chr2-219568049-G-C. GRCh37 (hg19) VCF-style: chr2-220432771-G-C.
Other names: c.1282+6C>G (NM_001173431.2, NM_001173408.2).
Identifiers: ClinVar variation 1933779 (VCV001933779.5), dbSNP rs1559155425, ClinGen allele CA539844359.

ClinVar aggregate classification (germline): Uncertain significance (1 of 4 stars; one submission).

gnomAD v4.1: 6 of 1,608,788 alleles (0.00037%); highest among the groups gnomAD compares: Non-Finnish European, 0.00051%; no homozygotes.

Submission:

Labcorp Genetics (formerly Invitae), Labcorp
Classification: Uncertain significance. Last evaluated: 2024-10-03. Review status: criteria provided, single submitter. Criteria: Invitae Variant Classification Sherloc (09022015). Collection method: clinical testing. Allele origin: germline.
Comment: This sequence change falls in intron 2 of the OBSL1 gene. It does not directly change the encoded amino acid sequence of the OBSL1 protein. It affects a nucleotide within the consensus splice site. This variant is present in population databases (no rsID available, gnomAD 0.0009%). This variant has not been reported in the literature in individuals affected with OBSL1-related conditions. ClinVar contains an entry for this variant (Variation ID: 1933779). Variants that disrupt the consensus splice site are a relatively common cause of aberrant splicing (PMID: 17576681, 9536098). Algorithms developed to predict the effect of sequence changes on RNA splicing suggest that this variant is not likely to affect RNA splicing. In summary, the available evidence is currently insufficient to determine the role of this variant in disease. Therefore, it has been classified as a Variant of Uncertain Significance.

Literature cited by the submitters: PubMed 17576681; PubMed 9536098.